The following is an entry in ClinVar:

ClinVar aggregate classification (germline): Likely benign (1 of 4 stars; one submission).

Allele frequency attached by ClinVar (database versions not stated): TOPMed below 0.00001.

Submission:

CeGaT Center for Human Genetics Tuebingen
Classification: Likely benign. Last evaluated: 2022-09-01. Review status: criteria provided, single submitter. Criteria: CeGaT Center For Human Genetics Tuebingen Variant Classification Criteria Version 2. Collection method: clinical testing. Allele origin: germline. Affected: yes. Observed: 1 variant allele.
Comment: SSU72L5: PM2:Supporting, BP4, BP7

NM_001414002.2(SSU72L5):c.132A>G (p.Leu44=)

Gene: SSU72L5 (SSU72 like 5; plus strand). Cytogenetic location: 11p15.4.
Variant type: single nucleotide variant.
Coding change: c.132A>G on transcript NM_001414002.2 (MANE Select); coding-DNA position 132, A replaced by G.
Protein change: p.Leu44=; no amino-acid change (leucine 44 retained).
Molecular consequence: synonymous variant.
Genome position (GRCh38, 1-based): chr11:4,233,419, A>G. VCF-style: chr11-4233419-A-G. GRCh37 (hg19) VCF-style: chr11-4254649-A-G.
Identifiers: ClinVar variation 2641528 (VCV002641528.24), dbSNP rs2094735766, ClinGen allele CA472803404.